The following is an entry in ClinVar:

NM_177438.3(DICER1):c.5248G>A (p.Val1750Ile)

Gene: DICER1 (dicer 1, ribonuclease III; minus strand). Cytogenetic location: 14q32.13.
Variant type: single nucleotide variant.
Coding change: c.5248G>A on transcript NM_177438.3 (MANE Select); coding-DNA position 5248, G replaced by A.
Protein change: p.Val1750Ile; replaces valine 1750 with isoleucine.
Molecular consequence: missense variant.
Genome position (GRCh38, 1-based): chr14:95,094,004, C>T on the plus strand (G>A on the coding strand, the complement: DICER1 is on the minus strand). VCF-style: chr14-95094004-C-T. GRCh37 (hg19) VCF-style: chr14-95560341-C-T.
Other names: NM_177438.3(DICER1):c.5248G>A; p.Val1750Ile; c.5248G>A, p.Val1750Ile (NM_001195573.1, NM_001271282.3, NM_001291628.2 and 1 more transcripts); short protein forms V1750I.
Identifiers: ClinVar variation 477250 (VCV000477250.16), dbSNP rs1184678913, ClinGen allele CA390865129.

ClinVar aggregate classification (germline): Uncertain significance. Review status: reviewed by expert panel (3 of 4 stars). 3 submissions from 3 submitters: Uncertain significance (1). 2 of the submissions do not count toward it. Last evaluated 2025-08-26.

Conditions:
DICER1-related tumor predisposition. Also called: DICER1-related pleuropulmonary blastoma cancer predisposition syndrome; DICER1 syndrome. Identifiers: Orphanet 284343, MedGen C3839822, MONDO:0100216.
Hereditary cancer-predisposing syndrome. Also called: Tumor predisposition; Neoplastic Syndromes, Hereditary; Hereditary Cancer Syndrome; Hereditary neoplastic syndrome. Identifiers: Orphanet 140162, MedGen C0027672, MeSH D009386, MONDO:0015356.

Allele frequency attached by ClinVar (database versions not stated): gnomAD exomes below 0.00001.
gnomAD v4.1: 2 of 1,614,128 alleles (0.00012%); highest among the groups gnomAD compares: Non-Finnish European, 0.000085%; no homozygotes.

Submissions (3):

ClinGen DICER1 and miRNA-Processing Gene Variant Curation Expert Panel, ClinGen
Classification: Uncertain significance for DICER1-related tumor predisposition. Last evaluated: 2025-08-26. Review status: reviewed by expert panel. Criteria: ClinGen DICER1 ACMG Specifications DICER1 V1.4.0. Collection method: curation. Allele origin: germline. Inheritance: Autosomal dominant inheritance.
Comment: The NM_177438.3:c.5248G>A variant in DICER1 is a missense variant predicted to cause substitution of valine by isoleucine at amino acid 1750 (p.Val1750Ile). Although this variant has been observed in individuals undergoing genetic sequencing, to our knowledge, this variant has not been reported in individuals with DICER1-related tumor predisposition (PS4 not met; Internal lab contributors). This variant has an allele frequency of 0.000001239 (2/1614128 alleles) across gnomAD v4.1.0 with no more than one allele in any subpopulation, which is lower than the ClinGen DICER1 VCEP threshold (<0.000005) for PM2_Supporting, and therefore meets this criterion (PM2_Supporting). In silico tools predict no damaging impact of the variant on protein function (REVEL: 0.304; MaxEntScan and SpliceAI: no effect on splicing) (BP4). This variant resides within the RNase IIIb domain (PM1_Supporting; PMID: 31342592). In summary, this variant meets the criteria to be classified as Uncertain Significance for DICER1-related tumor predisposition based on the ACMG/AMP criteria applied, as specified by the ClinGen DICER1 VCEP: PM2_Supporting, BP4, PM1_Supporting. (Bayesian Points: 1; VCEP specifications version 1.4.0; 08/26/2025)

Ambry Genetics
Classification: Uncertain significance for Hereditary cancer-predisposing syndrome. Last evaluated: 2025-06-09. Review status: criteria provided, single submitter. Criteria: Ambry Variant Classification Scheme 2023. Collection method: clinical testing. Allele origin: germline. Not counted in ClinVar's aggregate classification.
Comment: The p.V1750I variant (also known as c.5248G>A), located in coding exon 23 of the DICER1 gene, results from a G to A substitution at nucleotide position 5248. The valine at codon 1750 is replaced by isoleucine, an amino acid with highly similar properties. This amino acid position is highly conserved in available vertebrate species. In addition, the in silico prediction for this alteration is inconclusive. Based on the available evidence, the clinical significance of this variant remains unclear.

Labcorp Genetics (formerly Invitae), Labcorp
Classification: Uncertain significance for DICER1-related tumor predisposition. Last evaluated: 2023-10-15. Review status: criteria provided, single submitter. Criteria: Invitae Variant Classification Sherloc (09022015). Collection method: clinical testing. Allele origin: germline. Not counted in ClinVar's aggregate classification.
Comment: This sequence change replaces valine, which is neutral and non-polar, with isoleucine, which is neutral and non-polar, at codon 1750 of the DICER1 protein (p.Val1750Ile). This variant is present in population databases (no rsID available, gnomAD 0.004%). This variant has not been reported in the literature in individuals affected with DICER1-related conditions. ClinVar contains an entry for this variant (Variation ID: 477250). Advanced modeling of protein sequence and biophysical properties (such as structural, functional, and spatial information, amino acid conservation, physicochemical variation, residue mobility, and thermodynamic stability) performed at Invitae indicates that this missense variant is expected to disrupt DICER1 protein function. In summary, the available evidence is currently insufficient to determine the role of this variant in disease. Therefore, it has been classified as a Variant of Uncertain Significance.